The following is an entry in ClinVar:

ClinVar aggregate classification (germline): Likely pathogenic (3 of 4 stars; one submission).

Conditions:
Glanzmann thrombasthenia. Also called: THROMBASTHENIA OF GLANZMANN AND NAEGELI; Thrombasthenia; Glanzmann's thrombasthenia; PLATELET GLYCOPROTEIN IIb-IIIa DEFICIENCY. Identifiers: Orphanet 849, MedGen C0040015, MONDO:0100326.

Allele frequency attached by ClinVar (database versions not stated): TOPMed below 0.00001; gnomAD 0.00001.
gnomAD v4.1: 1 of 1,610,238 alleles (0.000062%); highest among the groups gnomAD compares: Non-Finnish European, 0.000085%; no homozygotes.

Submission:

ClinGen Platelet Disorders Variant Curation Expert Panel, ClinGen
Classification: Likely pathogenic for Glanzmann thrombasthenia. Last evaluated: 2026-03-17. Review status: reviewed by expert panel. Criteria: ClinGen Platelet ACMG Specifications v2-1. Collection method: curation. Allele origin: germline. Inheritance: Autosomal recessive inheritance.
Comment: The NM_000212.3(ITGB3):c.1594T>C (p.Cys532Arg) variant has been reported in the literature in at least 1 compound heterozygous proband (PMID: 25373348) in trans with the pathogenic variant c.2014+1G>A (PM3). The patient meets the criteria for PP4_strong; including mucocutaneous bleeding, impaired aggregation with all agonists except ristocetin, and reduced surface expression of αIIbβ3 measured by flow cytometry (PP4_strong). The highest population minor allele frequency in gnomAD v4 is 8.488e-7 (1/1178100 alleles) in the European non-Finnish genetic ancestry group, which is lower than the ClinGen PD VCEP threshold (<0.0001; PM2_Supporting). The variant is predicted to have a deleterious effect (REVEL score of 0.988; PP3). In summary, this variant meets the criteria to be classified as Likely Pathogenic for autosomal recessive Glanzmann Thrombasthenia based on the ACMG/AMP criteria applied, as specified by the ClinGen PD VCEP: PP4_strong, PM2_supporting, PM3, PP3 (VCEP specifications version 2).

Literature cited by the submitters: PubMed 25373348.

NM_000212.3(ITGB3):c.1594T>C (p.Cys532Arg)

Gene: ITGB3 (integrin subunit beta 3; plus strand). Cytogenetic location: 17q21.32.
Variant type: single nucleotide variant.
Coding change: c.1594T>C on transcript NM_000212.3 (MANE Select); coding-DNA position 1594, T replaced by C.
Protein change: p.Cys532Arg; replaces cysteine 532 with arginine.
Molecular consequence: missense variant.
Genome position (GRCh38, 1-based): chr17:47,292,472, T>C. VCF-style: chr17-47292472-T-C. GRCh37 (hg19) VCF-style: chr17-45369838-T-C.
Other names: short protein forms C532R.
Identifiers: ClinVar variation 953010 (VCV000953010.5), dbSNP rs1397448267, ClinGen allele CA400029953.